The following is an entry in ClinVar:

NM_004369.4(COL6A3):c.6245_6247del (p.Gln2082_Gly2083delinsArg)

Gene: COL6A3 (collagen type VI alpha 3 chain; minus strand). Cytogenetic location: 2q37.3.
Variant type: Deletion.
Coding change: c.6245_6247del on transcript NM_004369.4 (MANE Select); coding-DNA positions 6245 to 6247, 3 bases deleted (AAG; older notation c.6245_6247delAAG).
Protein change: p.Gln2082_Gly2083delinsArg.
Molecular consequence: inframe indel.
Genome position (GRCh38, 1-based): chr2:237,360,123-237,360,125, CTT deleted on the plus strand (AAG on the coding strand, the reverse complement: COL6A3 is on the minus strand). VCF-style (leftmost placement, unchanged base first): chr2-237360122-CCTT-C. GRCh37 (hg19) VCF-style: chr2-238268765-CCTT-C.
Other names: c.4424_4426del, p.Gln1475_Gly1476delinsArg (NM_057166.5); c.5627_5629del, p.Gln1876_Gly1877delinsArg (NM_057167.4).
Identifiers: ClinVar variation 2132912 (VCV002132912.4), dbSNP rs2469861969, ClinGen allele CA2580066086.

ClinVar aggregate classification (germline): Uncertain significance (1 of 4 stars; one submission).

Conditions:
Bethlem myopathy 1A. Also called: Bethlem Muscular Dystrophy; Bethlem myopathy 1; MYOPATHY, BENIGN CONGENITAL, WITH CONTRACTURES. Identifiers: Orphanet 610, MedGen CN029274, MONDO:0024530, OMIM 158810.

Submission:

Labcorp Genetics (formerly Invitae), Labcorp
Classification: Uncertain significance for Bethlem myopathy 1A. Last evaluated: 2022-05-04. Review status: criteria provided, single submitter. Criteria: Invitae Variant Classification Sherloc (09022015). Collection method: clinical testing. Allele origin: germline.
Comment: In summary, the available evidence is currently insufficient to determine the role of this variant in disease. Therefore, it has been classified as a Variant of Uncertain Significance. This variant disrupts the triple helix domain of COL6A3. Glycine residues within the Gly-Xaa-Yaa repeats of the triple helix domain are required for the structure and stability of fibrillar collagens (PMID: 7695699, 8218237, 19344236). In COL6A3, missense variants at these glycine residues are significantly enriched in individuals with autosomal dominant disease (PMID: 15689448, 24038877) compared to the general population (ExAC). This variant has not been reported in the literature in individuals affected with COL6A3-related conditions. This variant is not present in population databases (gnomAD no frequency). This variant, c.6245_6247del, is a complex sequence change that results in the deletion of 2 and insertion of 1 amino acid(s) in the COL6A3 protein (p.Gln2082_Gly2083delinsArg).

Literature cited by the submitters: PubMed 7695699; PubMed 8218237; PubMed 19344236; PubMed 15689448; PubMed 24038877.